The following is an entry in ClinVar:

ClinVar aggregate classification (germline): Uncertain significance (1 of 4 stars; one submission).

Conditions:
Microphthalmia, isolated, with coloboma 6 (MCOPCB6). Also called: MICROPHTHALMIA/COLOBOMA 6; Microphthalmia with coloboma 6, digenic; Microphthalmia with coloboma 6. Identifiers: Orphanet 98938, MedGen C3150968, MONDO:0013376, OMIM 613703.
Isolated microphthalmia 4. Identifiers: Orphanet 2542, MedGen C2751307, MONDO:0013130, OMIM 613094.
Klippel-Feil syndrome 1, autosomal dominant (KFS1). Also called: CERVICAL VERTEBRAL FUSION, AUTOSOMAL DOMINANT. Identifiers: Orphanet 2345, MedGen C1861689, MONDO:0007306, OMIM 118100.
Leber congenital amaurosis 17 (LCA17). Identifiers: Orphanet 65, MedGen C3715164, MONDO:0014145, OMIM 615360.

Submission:

Labcorp Genetics (formerly Invitae), Labcorp
Classification: Uncertain significance for Isolated microphthalmia 4; Leber congenital amaurosis 17; Klippel-Feil syndrome 1, autosomal dominant; Microphthalmia, isolated, with coloboma 6. Last evaluated: 2022-05-05. Review status: criteria provided, single submitter. Criteria: Invitae Variant Classification Sherloc (09022015). Collection method: clinical testing. Allele origin: germline.
Comment: In summary, the available evidence is currently insufficient to determine the role of this variant in disease. Therefore, it has been classified as a Variant of Uncertain Significance. Algorithms developed to predict the effect of missense changes on protein structure and function are either unavailable or do not agree on the potential impact of this missense change (SIFT: "Deleterious"; PolyPhen-2: "Possibly Damaging"; Align-GVGD: "Class C0"). This sequence change replaces leucine, which is neutral and non-polar, with arginine, which is basic and polar, at codon 111 of the GDF6 protein (p.Leu111Arg). This variant is not present in population databases (gnomAD no frequency). This variant has not been reported in the literature in individuals affected with GDF6-related conditions.

NM_001001557.4(GDF6):c.332T>G (p.Leu111Arg)

Gene: GDF6 (growth differentiation factor 6; minus strand). Cytogenetic location: 8q22.1.
Variant type: single nucleotide variant.
Coding change: c.332T>G on transcript NM_001001557.4 (MANE Select); coding-DNA position 332, T replaced by G.
Protein change: p.Leu111Arg; replaces leucine 111 with arginine.
Molecular consequence: missense variant.
Genome position (GRCh38, 1-based): chr8:96,160,361, A>C on the plus strand (T>G on the coding strand, the complement: GDF6 is on the minus strand). VCF-style: chr8-96160361-A-C. GRCh37 (hg19) VCF-style: chr8-97172589-A-C.
Other names: short protein forms L111R.
Identifiers: ClinVar variation 2134068 (VCV002134068.4), dbSNP rs2487849133, ClinGen allele CA371753470.
Genomic context (GRCh38, chr8:96,160,361, plus strand): 5'-ACAAAGCTGGTGATCGTATTAGCCGACTTGGAAGACTGGAAAAAGCTGGCATTGATGCCC[A>C]GCTTCTCAGCGATGGAGTAAGTCCTGTAGATTGACAGCATGTACTCGTGGGGCACCACGC-3'
Protein context (NP_001001557.1, residues 101-121): IYRTYSIAEK[Leu111Arg]GINASFFQSS